The following is an entry in ClinVar:

ClinVar aggregate classification (germline): Uncertain significance (1 of 4 stars; one submission).

Submission:

Labcorp Genetics (formerly Invitae), Labcorp
Classification: Uncertain significance. Last evaluated: 2022-07-06. Review status: criteria provided, single submitter. Criteria: Invitae Variant Classification Sherloc (09022015). Collection method: clinical testing. Allele origin: germline.
Comment: This variant results in a copy number gain of the genomic region encompassing exon(s) 15-40 of the MYO5B gene. This region includes the termination codon of the gene. This copy number gain extends beyond the assayed region for this gene and therefore may encompass additional genes. As the precise location of this event is unknown, it may be in tandem or it may be located elsewhere in the genome. This variant has not been reported in the literature in individuals affected with MYO5B-related conditions. Experimental studies and prediction algorithms are not available or were not evaluated, and the functional significance of this variant is currently unknown. In summary, the available evidence is currently insufficient to determine the role of this variant in disease. Therefore, it has been classified as a Variant of Uncertain Significance.

NC_000018.9:g.(?_47101719)_(47463787_?)dup

Genes: ACAA2 (acetyl-CoA acyltransferase 2; minus strand), LIPG (lipase G, endothelial type; plus strand), MYO5B (myosin VB; minus strand). Cytogenetic location: 18q21.1.
Variant type: Duplication.
Identifiers: ClinVar variation 2423654 (VCV002423654.2).